The following is an entry in ClinVar:

ClinVar aggregate classification (germline): Uncertain significance (1 of 4 stars; one submission).

Submission:

Labcorp Genetics (formerly Invitae), Labcorp
Classification: Uncertain significance. Last evaluated: 2025-09-21. Review status: criteria provided, single submitter. Criteria: Invitae Variant Classification Sherloc (09022015). Collection method: clinical testing. Allele origin: germline.
Comment: This sequence change replaces isoleucine, which is neutral and non-polar, with valine, which is neutral and non-polar, at codon 935 of the ADAMTSL4 protein (p.Ile935Val). This variant is not present in population databases (gnomAD no frequency). This variant has not been reported in the literature in individuals affected with ADAMTSL4-related conditions. Invitae Evidence Modeling of protein sequence and biophysical properties (such as structural, functional, and spatial information, amino acid conservation, physicochemical variation, residue mobility, and thermodynamic stability) indicates that this missense variant is not expected to disrupt ADAMTSL4 protein function with a negative predictive value of 80%. In summary, the available evidence is currently insufficient to determine the role of this variant in disease. Therefore, it has been classified as a Variant of Uncertain Significance.

NM_019032.6(ADAMTSL4):c.2803A>G (p.Ile935Val)

Gene: ADAMTSL4 (ADAMTS like 4; plus strand). Cytogenetic location: 1q21.2.
Variant type: single nucleotide variant.
Coding change: c.2803A>G on transcript NM_019032.6 (MANE Select); coding-DNA position 2803, A replaced by G.
Protein change: p.Ile935Val; replaces isoleucine 935 with valine.
Molecular consequence: missense variant.
Genome position (GRCh38, 1-based): chr1:150,559,326, A>G. VCF-style: chr1-150559326-A-G. GRCh37 (hg19) VCF-style: chr1-150531802-A-G.
Other names: c.2686A>G, p.Ile896Val (NM_001288607.2); c.2872A>G, p.Ile958Val (NM_001288608.2); c.2803A>G, p.Ile935Val (NM_001378596.1); short protein forms I896V, I935V, I958V.
Identifiers: ClinVar variation 4744773 (VCV004744773.1).